The following is an entry in ClinVar:

NM_015665.6(AAAS):c.446+1G>T

Gene: AAAS (aladin WD repeat nucleoporin; minus strand). Cytogenetic location: 12q13.13.
Variant type: single nucleotide variant.
Coding change: c.446+1G>T on transcript NM_015665.6 (MANE Select); the canonical splice donor site of the intron after coding-DNA position 446, G replaced by T.
Molecular consequence: splice donor variant.
Genome position (GRCh38, 1-based): chr12:53,315,093, C>A on the plus strand (G>T on the coding strand, the complement: AAAS is on the minus strand). VCF-style: chr12-53315093-C-A. GRCh37 (hg19) VCF-style: chr12-53708877-C-A.
Other names: c.446+1G>T (NM_001173466.2).
Identifiers: ClinVar variation 2862504 (VCV002862504.4), dbSNP rs2136811371, ClinGen allele CA385043878.

ClinVar aggregate classification (germline): Pathogenic/Likely pathogenic. Review status: criteria provided, multiple submitters, no conflicts (2 of 4 stars). 2 submissions from 2 submitters: Pathogenic (1); Likely pathogenic (1). Last evaluated 2026-01-14.

Conditions:
Glucocorticoid deficiency with achalasia (AAAS). Also called: Alacrima-achalasia-addisonianism; ACTH-resistant adrenal insufficiency, achalasia and alacrima; Glucocorticoid deficiency and achalasia; Hypoadrenalism with achalasia; Achalasia-Addisonianism-Alacrima (Triple-A) Syndrome; ALACRIMA-ACHALASIA-ADRENAL INSUFFICIENCY NEUROLOGIC DISORDER. Identifiers: Orphanet 869, MedGen C0271742, MONDO:0009279, OMIM 231550.

Submissions (2):

Labcorp Genetics (formerly Invitae), Labcorp
Classification: Pathogenic. Last evaluated: 2026-01-14. Review status: criteria provided, single submitter. Criteria: Invitae Variant Classification Sherloc (09022015). Collection method: clinical testing. Allele origin: germline.
Comment: This sequence change affects a donor splice site in intron 5 of the AAAS gene. It is expected to disrupt RNA splicing. Variants that disrupt the donor or acceptor splice site typically lead to a loss of protein function (PMID: 16199547), and loss-of-function variants in AAAS are known to be pathogenic (PMID: 11159947). This variant is not present in population databases (gnomAD no frequency). Disruption of this splice site has been observed in individual(s) with Achalasia-addisonianism-alacrimia syndrome (aka Allgrove syndrome) (PMID: 16938764). It has also been observed to segregate with disease in related individuals. ClinVar contains an entry for this variant (Variation ID: 2862504). Algorithms developed to predict the effect of sequence changes on RNA splicing suggest that this variant may disrupt the consensus splice site. For these reasons, this variant has been classified as Pathogenic.

Fulgent Genetics
Classification: Likely pathogenic for Glucocorticoid deficiency with achalasia. Last evaluated: 2024-03-05. Review status: criteria provided, single submitter. Criteria: ACMG Guidelines, 2015. Collection method: clinical testing. Allele origin: germline.

Literature cited by the submitters: PubMed 16199547 (cited by Labcorp Genetics (formerly Invitae), Labcorp); PubMed 11159947 (cited by Labcorp Genetics (formerly Invitae), Labcorp); PubMed 16938764 (cited by Labcorp Genetics (formerly Invitae), Labcorp).